The following is an entry in ClinVar:

ClinVar aggregate classification (germline): Conflicting classifications of pathogenicity. Review status: criteria provided, conflicting classifications (1 of 4 stars). 3 submissions from 3 submitters: Uncertain significance (1); Benign (2). Last evaluated 2026-02-04.

Conditions:
Reticular dysgenesis. Also called: ALEUKOCYTOSIS; CONGENITAL ALEUKIA; HEMATOPOIETIC HYPOPLASIA, GENERALIZED; RETICULAR DYSGENESIA; SEVERE COMBINED IMMUNODEFICIENCY WITH LEUKOPENIA; DeVaal disease. Identifiers: Orphanet 33355, MedGen C0272167, MONDO:0009973, OMIM 267500.

Allele frequency attached by ClinVar (database versions not stated): 1000 Genomes Project 0.00100; 1000 Genomes Project 30x 0.00109; gnomAD exomes 0.00321 and 0.00449; TOPMed 0.00336; gnomAD 0.00344 and 0.00349; ExAC 0.00367; ESP Exome Variant Server 0.00484.
gnomAD v4.1: 7,013 of 1,613,336 alleles (0.43%); highest among the groups gnomAD compares: Non-Finnish European, 0.55%; 22 homozygotes.

Submissions (14):

Labcorp Genetics (formerly Invitae), Labcorp
Classification: Benign for Reticular dysgenesis. Last evaluated: 2026-02-04. Review status: criteria provided, single submitter. Criteria: Invitae Variant Classification Sherloc (09022015). Collection method: clinical testing. Allele origin: germline.

Women's Health and Genetics/Laboratory Corporation of America, LabCorp
Classification: Benign. Last evaluated: 2026-01-22. Review status: criteria provided, single submitter. Criteria: LabCorp Variant Classification Summary - May 2015. Collection method: clinical testing. Allele origin: germline.

GeneDx
Classification: Uncertain significance. Last evaluated: 2017-03-13. Review status: criteria provided, single submitter. Criteria: GeneDx Variant Classification (06012015). Collection method: clinical testing. Allele origin: germline. Affected: yes.
Comment: The c.219+19 A>G variant has not been published as a pathogenic variant, nor has it been reported as a benign variant to our knowledge. The variant is observed in 394/66,728 (0.59%) alleles from individuals of European background in the ExAC dataset, including 4 homozygotes (Lek et al., 2016). However, several in-silico splice prediction models predict that c.219+19 A>G creates a cryptic donor site which may supplant the natural donor site and lead to abnormal gene splicing. In the absence of RNA/functional studies, the actual effect of this sequence change in this individual is unknown. Therefore, based on the currently available information, it is unclear whether this variant is a pathogenic variant or a rare benign variant.

Dr. Peter K. Rogan Lab, Western University
No classification provided (evidence only). Condition: Lung cancer. Review status: no classification provided. Collection method: in vitro. Allele origin: not applicable. Functional consequence: skipped exon, retained intron. Not counted in ClinVar's aggregate classification.

Dr. Peter K. Rogan Lab, Western University
No classification provided (evidence only). Condition: Familial cancer of breast. Review status: no classification provided. Collection method: in vitro. Allele origin: not applicable. Functional consequence: retained intron. Not counted in ClinVar's aggregate classification.

Dr. Peter K. Rogan Lab, Western University
No classification provided (evidence only). Condition: Acute myeloid leukemia. Review status: no classification provided. Collection method: in vitro. Allele origin: not applicable. Functional consequence: retained intron. Not counted in ClinVar's aggregate classification.

Dr. Peter K. Rogan Lab, Western University
No classification provided (evidence only). Condition: Acute myeloid leukemia. Review status: no classification provided. Collection method: in vitro. Allele origin: not applicable. Functional consequence: retained intron. Not counted in ClinVar's aggregate classification.

Dr. Peter K. Rogan Lab, Western University
No classification provided (evidence only). Condition: Cervical cancer. Review status: no classification provided. Collection method: in vitro. Allele origin: not applicable. Functional consequence: retained intron. Not counted in ClinVar's aggregate classification.

Dr. Peter K. Rogan Lab, Western University
No classification provided (evidence only). Condition: Ovarian serous cystadenocarcinoma. Review status: no classification provided. Collection method: in vitro. Allele origin: not applicable. Functional consequence: retained intron. Not counted in ClinVar's aggregate classification.

Dr. Peter K. Rogan Lab, Western University
No classification provided (evidence only). Condition: Ovarian serous cystadenocarcinoma. Review status: no classification provided. Collection method: in vitro. Allele origin: not applicable. Functional consequence: retained intron. Not counted in ClinVar's aggregate classification.

Dr. Peter K. Rogan Lab, Western University
No classification provided (evidence only). Condition: Ovarian serous cystadenocarcinoma. Review status: no classification provided. Collection method: in vitro. Allele origin: not applicable. Functional consequence: retained intron. Not counted in ClinVar's aggregate classification.

Dr. Peter K. Rogan Lab, Western University
No classification provided (evidence only). Condition: Gastric cancer. Review status: no classification provided. Collection method: in vitro. Allele origin: not applicable. Functional consequence: retained intron. Not counted in ClinVar's aggregate classification.

Dr. Peter K. Rogan Lab, Western University
No classification provided (evidence only). Condition: Gastric cancer. Review status: no classification provided. Collection method: in vitro. Allele origin: not applicable. Functional consequence: retained intron. Not counted in ClinVar's aggregate classification.

Dr. Peter K. Rogan Lab, Western University
No classification provided (evidence only). Condition: Uveal melanoma. Review status: no classification provided. Collection method: in vitro. Allele origin: not applicable. Functional consequence: retained intron. Not counted in ClinVar's aggregate classification.

NM_001625.4(AK2):c.219+19A>G

Gene: AK2 (adenylate kinase 2; minus strand). Cytogenetic location: 1p35.1.
Variant type: single nucleotide variant.
Coding change: c.219+19A>G on transcript NM_001625.4 (MANE Select); 19 bases into the intron after coding-DNA position 219, A replaced by G.
Molecular consequence: intron variant.
Genome position (GRCh38, 1-based): chr1:33,024,423, T>C on the plus strand (A>G on the coding strand, the complement: AK2 is on the minus strand). VCF-style: chr1-33024423-T-C. GRCh37 (hg19) VCF-style: chr1-33490024-T-C.
Other names: c.219+19A>G (NM_013411.5, NM_001319143.2, NM_001199199.3 and 1 more transcripts); c.94-2720A>G (NM_001319142.3); c.75+19A>G (NM_001319139.3, NM_001319140.2).
Identifiers: ClinVar variation 418001 (VCV000418001.13), dbSNP rs148975919, ClinGen allele CA747227.